The following is an entry in ClinVar:

ClinVar aggregate classification (germline): Uncertain significance (1 of 4 stars; one submission).

Conditions:
Neurodevelopmental disorder with or without hyperkinetic movements and seizures, autosomal dominant. Also called: Intellectual disability, autosomal dominant 8. Identifiers: MedGen C3280282, MONDO:0013655, OMIM 614254.

Submission:

Labcorp Genetics (formerly Invitae), Labcorp
Classification: Uncertain significance for Neurodevelopmental disorder with or without hyperkinetic movements and seizures, autosomal dominant. Last evaluated: 2023-10-18. Review status: criteria provided, single submitter. Criteria: Invitae Variant Classification Sherloc (09022015). Collection method: clinical testing. Allele origin: germline.
Comment: This sequence change replaces serine, which is neutral and polar, with threonine, which is neutral and polar, at codon 938 of the GRIN1 protein (p.Ser938Thr). This variant is not present in population databases (gnomAD no frequency). This variant has not been reported in the literature in individuals affected with GRIN1-related conditions. Advanced modeling of protein sequence and biophysical properties (such as structural, functional, and spatial information, amino acid conservation, physicochemical variation, residue mobility, and thermodynamic stability) performed at Invitae indicates that this missense variant is expected to disrupt GRIN1 protein function. In summary, the available evidence is currently insufficient to determine the role of this variant in disease. Therefore, it has been classified as a Variant of Uncertain Significance.

NM_007327.4(GRIN1):c.2813G>C (p.Ser938Thr)

Gene: GRIN1 (glutamate ionotropic receptor NMDA type subunit 1; plus strand). Cytogenetic location: 9q34.3.
Variant type: single nucleotide variant.
Coding change: c.2813G>C on transcript NM_007327.4 (MANE Select); coding-DNA position 2813, G replaced by C.
Protein change: p.Ser938Thr; replaces serine 938 with threonine.
Molecular consequence: missense variant. On other transcripts: intron variant (3).
Genome position (GRCh38, 1-based): chr9:137,167,523, G>C. VCF-style: chr9-137167523-G-C. GRCh37 (hg19) VCF-style: chr9-140061975-G-C.
Other names: c.2702G>C, p.Ser901Thr (NM_021569.4); c.2764-251G>C (NM_001185090.2); c.2653-251G>C (NM_001185091.2); c.2590-251G>C (NM_000832.7); short protein forms S901T, S938T.
Identifiers: ClinVar variation 2769739 (VCV002769739.3), dbSNP rs2538668776, ClinGen allele CA375730223.